The following is an entry in ClinVar:

NM_201596.3(CACNB2):c.1105C>A (p.Gln369Lys)

Gene: CACNB2 (calcium voltage-gated channel auxiliary subunit beta 2; plus strand). Cytogenetic location: 10p12.31.
Variant type: single nucleotide variant.
Coding change: c.1105C>A on transcript NM_201596.3 (MANE Select); coding-DNA position 1105, C replaced by A.
Protein change: p.Gln369Lys; replaces glutamine 369 with lysine.
Molecular consequence: missense variant.
Genome position (GRCh38, 1-based): chr10:18,534,126, C>A. VCF-style: chr10-18534126-C-A. GRCh37 (hg19) VCF-style: chr10-18823055-C-A.
Other names: c.940C>A, p.Gln314Lys (NM_000724.4); c.907C>A, p.Gln303Lys (NM_001167945.2); c.826C>A, p.Gln276Lys (NM_001330060.2); c.847C>A, p.Gln283Lys (NM_001410882.1); c.961C>A, p.Gln321Lys (NM_201570.3); c.1021C>A, p.Gln341Lys (NM_201571.4); c.949C>A, p.Gln317Lys (NM_201572.4); c.943C>A, p.Gln315Lys (NM_201590.3); and 2 more; short protein forms Q276K, Q314K, Q315K, Q321K, Q369K, Q341K, Q283K, Q317K.
Identifiers: ClinVar variation 2560370 (VCV002560370.5), dbSNP rs1363371032, ClinGen allele CA376067719.

ClinVar aggregate classification (germline): Uncertain significance. Review status: criteria provided, multiple submitters, no conflicts (2 of 4 stars). 2 submissions from 2 submitters: Uncertain significance (2). Last evaluated 2023-05-18.

Conditions:
Cardiovascular phenotype. Identifiers: MedGen CN230736.
Brugada syndrome 4 (BRGDA4). Identifiers: Orphanet 130, MedGen C2678477, MONDO:0012743, OMIM 611876.

Allele frequency attached by ClinVar (database versions not stated): gnomAD exomes below 0.00001; gnomAD 0.00001.
gnomAD v4.1: 5 of 1,613,794 alleles (0.00031%); highest among the groups gnomAD compares: Non-Finnish European, 0.00042%; no homozygotes.

Submissions (2):

Ambry Genetics
Classification: Uncertain significance for Cardiovascular phenotype. Last evaluated: 2023-05-18. Review status: criteria provided, single submitter. Criteria: Ambry Variant Classification Scheme 2023. Collection method: clinical testing. Allele origin: germline.
Comment: The p.Q315K variant (also known as c.943C>A), located in coding exon 10 of the CACNB2 gene, results from a C to A substitution at nucleotide position 943. The glutamine at codon 315 is replaced by lysine, an amino acid with similar properties. This amino acid position is conserved. In addition, this alteration is predicted to be deleterious by in silico analysis. Since supporting evidence is limited at this time, the clinical significance of this alteration remains unclear.

Labcorp Genetics (formerly Invitae), Labcorp
Classification: Uncertain significance for Brugada syndrome 4. Last evaluated: 2023-04-06. Review status: criteria provided, single submitter. Criteria: Invitae Variant Classification Sherloc (09022015). Collection method: clinical testing. Allele origin: germline.
Comment: In summary, the available evidence is currently insufficient to determine the role of this variant in disease. Therefore, it has been classified as a Variant of Uncertain Significance. This sequence change replaces glutamine, which is neutral and polar, with lysine, which is basic and polar, at codon 315 of the CACNB2 protein (p.Gln315Lys). This variant is present in population databases (no rsID available, gnomAD 0.007%). This variant has not been reported in the literature in individuals affected with CACNB2-related conditions. Advanced modeling of protein sequence and biophysical properties (such as structural, functional, and spatial information, amino acid conservation, physicochemical variation, residue mobility, and thermodynamic stability) performed at Invitae indicates that this missense variant is expected to disrupt CACNB2 protein function.